The following is an entry in ClinVar:

NM_152564.5(VPS13B):c.8361+13G>T

Gene: VPS13B (vacuolar protein sorting 13 homolog B; plus strand). Cytogenetic location: 8q22.2.
Variant type: single nucleotide variant.
Coding change: c.8361+13G>T on transcript NM_152564.5 (MANE Select); 13 bases into the intron after coding-DNA position 8361, G replaced by T.
Molecular consequence: intron variant.
Genome position (GRCh38, 1-based): chr8:99,817,816, G>T. VCF-style: chr8-99817816-G-T. GRCh37 (hg19) VCF-style: chr8-100830044-G-T.
Other names: c.8436+13G>T (NM_017890.5).
Identifiers: ClinVar variation 3346486 (VCV003346486.1).

ClinVar aggregate classification (germline): Likely benign (0 of 4 stars; one submission).

Conditions:
VPS13B-related disorder. Also called: VPS13B-related condition.

gnomAD v4.1: 2 of 1,613,856 alleles (0.00012%); highest among the groups gnomAD compares: African/African-American, 0.0027%; no homozygotes.

Submission:

PreventionGenetics, part of Exact Sciences
Classification: Likely benign for VPS13B-related condition. Last evaluated: 2024-03-29. Review status: no assertion criteria provided. Collection method: clinical testing. Allele origin: germline.
Comment: This variant is classified as likely benign based on ACMG/AMP sequence variant interpretation guidelines (Richards et al. 2015 PMID: 25741868, with internal and published modifications).